The following is an entry in ClinVar:

ClinVar aggregate classification (germline): Uncertain significance (1 of 4 stars; one submission).

Conditions:
Spastic ataxia 2. Also called: Ataxia, spastic, 2, autosomal recessive. Identifiers: Orphanet 397946, MedGen C1969796, MONDO:0012651, OMIM 611302.

Allele frequency attached by ClinVar (database versions not stated): TOPMed 0.00008; 1000 Genomes Project 30x 0.00047; 1000 Genomes Project 0.00060.
gnomAD v4.1: 52 of 1,523,022 alleles (0.0034%); highest among the groups gnomAD compares: African/African-American, 0.06%; no homozygotes.

Submission:

Labcorp Genetics (formerly Invitae), Labcorp
Classification: Uncertain significance for Spastic ataxia 2. Last evaluated: 2022-06-19. Review status: criteria provided, single submitter. Criteria: Invitae Variant Classification Sherloc (09022015). Collection method: clinical testing. Allele origin: germline.
Comment: This sequence change replaces proline, which is neutral and non-polar, with threonine, which is neutral and polar, at codon 971 of the KIF1C protein (p.Pro971Thr). This variant is present in population databases (rs202059928, gnomAD 0.03%). This variant has not been reported in the literature in individuals affected with KIF1C-related conditions. Algorithms developed to predict the effect of missense changes on protein structure and function are either unavailable or do not agree on the potential impact of this missense change (SIFT: "Deleterious"; PolyPhen-2: "Possibly Damaging"; Align-GVGD: "Class C0"). In summary, the available evidence is currently insufficient to determine the role of this variant in disease. Therefore, it has been classified as a Variant of Uncertain Significance.

NM_006612.6(KIF1C):c.2911C>A (p.Pro971Thr)

Gene: KIF1C (kinesin family member 1C; plus strand). Cytogenetic location: 17p13.2.
Variant type: single nucleotide variant.
Coding change: c.2911C>A on transcript NM_006612.6 (MANE Select); coding-DNA position 2911, C replaced by A.
Protein change: p.Pro971Thr; replaces proline 971 with threonine.
Molecular consequence: missense variant.
Genome position (GRCh38, 1-based): chr17:5,023,750, C>A. VCF-style: chr17-5023750-C-A. GRCh37 (hg19) VCF-style: chr17-4927045-C-A.
Other names: short protein forms P971T.
Identifiers: ClinVar variation 2045238 (VCV002045238.1), dbSNP rs202059928, ClinGen allele CA8319431.